The following is an entry in ClinVar:

ClinVar aggregate classification (germline): Likely benign (1 of 4 stars; one submission).

gnomAD v4.1: 2 of 1,613,492 alleles (0.00012%); highest among the groups gnomAD compares: Non-Finnish European, 0.00017%; no homozygotes.

Submission:

Laboratory for Molecular Medicine, Mass General Brigham Personalized Medicine
Classification: Likely benign. Last evaluated: 2015-12-31. Review status: criteria provided, single submitter. Criteria: LMM Criteria. Collection method: clinical testing. Allele origin: germline. Observed: 1 variant allele.
Comment: c.4095+15G>A in intron 30 of MYH9: This variant is not expected to have clinical significance because it is not located within the splice consensus sequence, an d it is not predicted to alter splicing.

NM_002473.6(MYH9):c.4095+15G>A

Gene: MYH9 (myosin heavy chain 9; minus strand). Cytogenetic location: 22q12.3.
Variant type: single nucleotide variant.
Coding change: c.4095+15G>A on transcript NM_002473.6 (MANE Select); 15 bases into the intron after coding-DNA position 4095, G replaced by A.
Molecular consequence: intron variant.
Genome position (GRCh38, 1-based): chr22:36,293,314, C>T on the plus strand (G>A on the coding strand, the complement: MYH9 is on the minus strand). VCF-style: chr22-36293314-C-T. GRCh37 (hg19) VCF-style: chr22-36689360-C-T.
Identifiers: ClinVar variation 227611 (VCV000227611.4), dbSNP rs876657522, ClinGen allele CA10577135.
Genomic context (GRCh38, chr22:36,293,314, plus strand): 5'-TGCAGTGCCCAGGCCAGTGCCCGGCCAGCAGCTCCCCAGCCTGCAGAGTCCGGCCGGTCC[C>T]CCAGGCCTCCAAACCTGGGCATGGAGGGTGGCGATCTGCTTCTCCAGGTTGTGCTTGGCC-3'